The following is an entry in ClinVar:

NM_000234.3(LIG1):c.2596A>T (p.Lys866Ter)

Gene: LIG1 (DNA ligase 1; minus strand). Cytogenetic location: 19q13.33.
Variant type: single nucleotide variant.
Coding change: c.2596A>T on transcript NM_000234.3 (MANE Select); coding-DNA position 2596, A replaced by T.
Protein change: p.Lys866Ter; replaces lysine 866 with a stop codon.
Molecular consequence: nonsense. On other transcripts: non-coding transcript variant (6).
Genome position (GRCh38, 1-based): chr19:48,115,953, T>A on the plus strand (A>T on the coding strand, the complement: LIG1 is on the minus strand). VCF-style: chr19-48115953-T-A. GRCh37 (hg19) VCF-style: chr19-48619210-T-A.
Other names: c.2503A>T, p.Lys835Ter (NM_001289063.2); c.2392A>T, p.Lys798Ter (NM_001289064.2); c.2593A>T, p.Lys865Ter (NM_001320970.2); c.2506A>T, p.Lys836Ter (NM_001320971.2); short protein forms K836*, K865*, K866*, K798*, K835*.
Identifiers: ClinVar variation 2011589 (VCV002011589.4), dbSNP rs2032778043, ClinGen allele CA406641705.

ClinVar aggregate classification (germline): Uncertain significance (1 of 4 stars; one submission).

Submission:

Labcorp Genetics (formerly Invitae), Labcorp
Classification: Uncertain significance. Last evaluated: 2022-06-27. Review status: criteria provided, single submitter. Criteria: Invitae Variant Classification Sherloc (09022015). Collection method: clinical testing. Allele origin: germline.
Comment: In summary, the available evidence is currently insufficient to determine the role of this variant in disease. Therefore, it has been classified as a Variant of Uncertain Significance. This variant has not been reported in the literature in individuals affected with LIG1-related conditions. This variant is not present in population databases (gnomAD no frequency). This sequence change creates a premature translational stop signal (p.Lys866*) in the LIG1 gene. It is expected to result in an absent or disrupted protein product. However, the current clinical and genetic evidence is not sufficient to establish whether loss-of-function variants in LIG1 cause disease.